The following is an entry in ClinVar:

NM_015559.3(SETBP1):c.2779T>G (p.Phe927Val)

Gene: SETBP1 (SET binding protein 1; plus strand). Cytogenetic location: 18q12.3.
Variant type: single nucleotide variant.
Coding change: c.2779T>G on transcript NM_015559.3 (MANE Select); coding-DNA position 2779, T replaced by G.
Protein change: p.Phe927Val; replaces phenylalanine 927 with valine.
Molecular consequence: missense variant.
Genome position (GRCh38, 1-based): chr18:44,952,119, T>G. VCF-style: chr18-44952119-T-G. GRCh37 (hg19) VCF-style: chr18-42532084-T-G.
Other names: c.2779T>G, p.Phe927Val (NM_001379141.1, NM_001379142.1, NM_001410862.1); short protein forms F927V.
Identifiers: ClinVar variation 4769377 (VCV004769377.1).

ClinVar aggregate classification (germline): Uncertain significance (1 of 4 stars; one submission).

gnomAD v4.1: 6 of 1,613,956 alleles (0.00037%); highest among the groups gnomAD compares: Non-Finnish European, 0.00051%; no homozygotes.

Submission:

Labcorp Genetics (formerly Invitae), Labcorp
Classification: Uncertain significance. Last evaluated: 2025-11-28. Review status: criteria provided, single submitter. Criteria: Invitae Variant Classification Sherloc (09022015). Collection method: clinical testing. Allele origin: germline.
Comment: This sequence change replaces phenylalanine, which is neutral and non-polar, with valine, which is neutral and non-polar, at codon 927 of the SETBP1 protein (p.Phe927Val). This variant is present in population databases (no rsID available, gnomAD 0.007%). This variant has not been reported in the literature in individuals affected with SETBP1-related conditions. Invitae Evidence Modeling of protein sequence and biophysical properties (such as structural, functional, and spatial information, amino acid conservation, physicochemical variation, residue mobility, and thermodynamic stability) indicates that this missense variant is not expected to disrupt SETBP1 protein function with a negative predictive value of 80%. In summary, the available evidence is currently insufficient to determine the role of this variant in disease. Therefore, it has been classified as a Variant of Uncertain Significance.